The following is an entry in ClinVar:

NM_177438.3(DICER1):c.2484C>T (p.Ser828=)

Gene: DICER1 (dicer 1, ribonuclease III; minus strand). Cytogenetic location: 14q32.13.
Variant type: single nucleotide variant.
Coding change: c.2484C>T on transcript NM_177438.3 (MANE Select); coding-DNA position 2484, C replaced by T.
Protein change: p.Ser828=; no amino-acid change (serine 828 retained).
Molecular consequence: synonymous variant. On other transcripts: non-coding transcript variant (6).
Genome position (GRCh38, 1-based): chr14:95,108,046, G>A on the plus strand (C>T on the coding strand, the complement: DICER1 is on the minus strand). VCF-style: chr14-95108046-G-A. GRCh37 (hg19) VCF-style: chr14-95574383-G-A.
Other names: c.2484C>T, p.Ser828= (NM_001195573.1, NM_001271282.3, NM_001291628.2 and 12 more transcripts); c.2202C>T, p.Ser734= (NM_001395686.1); c.2079C>T, p.Ser693= (NM_001395687.1, NM_001395688.1, NM_001395689.1 and 2 more transcripts); c.1917C>T, p.Ser639= (NM_001395691.1); c.801C>T, p.Ser267= (NM_001395697.1).
Identifiers: ClinVar variation 4875988 (VCV004875988.1).

ClinVar aggregate classification (germline): Benign (1 of 4 stars; one submission).

Conditions:
DICER1-related tumor predisposition. Also called: DICER1 syndrome; DICER1-related pleuropulmonary blastoma cancer predisposition syndrome. Identifiers: Orphanet 284343, MedGen C3839822, MONDO:0100216.

Submission:

Myriad Genetics, Inc.
Classification: Benign for DICER1-related tumor predisposition. Last evaluated: 2026-04-16. Review status: criteria provided, single submitter. Criteria: Myriad Autosomal Dominant, Autosomal Recessive and X-Linked Classification Criteria (2023). Collection method: clinical testing. Allele origin: unknown.
Comment: This variant is considered benign. This variant is a silent/synonymous amino acid change and it is not expected to impact splicing.